The following is an entry in ClinVar:

NM_201384.3(PLEC):c.8338C>T (p.Pro2780Ser)

Gene: PLEC (plectin; minus strand). Cytogenetic location: 8q24.3.
Variant type: single nucleotide variant.
Coding change: c.8338C>T on transcript NM_201384.3 (MANE Select); coding-DNA position 8338, C replaced by T.
Protein change: p.Pro2780Ser; replaces proline 2780 with serine.
Molecular consequence: missense variant.
Genome position (GRCh38, 1-based): chr8:143,921,483, G>A on the plus strand (C>T on the coding strand, the complement: PLEC is on the minus strand). VCF-style: chr8-143921483-G-A. GRCh37 (hg19) VCF-style: chr8-144995651-G-A.
Other names: c.8419C>T, p.Pro2807Ser (NM_000445.5); c.8296C>T, p.Pro2766Ser (NM_201378.4); c.8272C>T, p.Pro2758Ser (NM_201379.3); c.8749C>T, p.Pro2917Ser (NM_201380.4); c.8242C>T, p.Pro2748Ser (NM_201381.3); c.8338C>T, p.Pro2780Ser (NM_201382.4); c.8350C>T, p.Pro2784Ser (NM_201383.3); short protein forms P2748S, P2758S, P2766S, P2780S, P2784S, P2807S, P2917S.
Identifiers: ClinVar variation 1057114 (VCV001057114.5), dbSNP rs782546260, ClinGen allele CA187612229.
Genomic context (GRCh38, chr8:143,921,483, plus strand): 5'-CCCGGACGATGAGGCCCTTCTGCATGGCTTGGAAGAGAGAGATCTGCTGGCCAGTGTAGG[G>A]GTCCTTGTAGCCAGTGACGGCGCGCTCGGCCGACAGCAGCTTGTGGTGCAGCTCGGGGCC-3'
Protein context (NP_958786.1, residues 2770-2790): AERAVTGYKD[Pro2780Ser]YTGQQISLFQ

ClinVar aggregate classification (germline): Uncertain significance (1 of 4 stars; one submission).

Conditions:
Epidermolysis bullosa simplex with nail dystrophy (EBS5D). Identifiers: MedGen C4225309, MONDO:0014661, OMIM 616487.
Epidermolysis bullosa simplex 5C, with pyloric atresia (EBS5C). Also called: PLEC-Related Epidermolysis Bullosa with Pyloric Atresia; Epidermolysis bullosa simplex with pyloric atresia; PLEC1-Related Epidermolysis Bullosa with Pyloric Atresia. Identifiers: Orphanet 158684, MedGen C2677349, MONDO:0012807, OMIM 612138.
Epidermolysis bullosa simplex 5B, with muscular dystrophy (EBS5B). Also called: Epidermolysis bullosa simplex with muscular dystrophy; EPIDERMOLYSIS BULLOSA SIMPLEX AND LIMB-GIRDLE MUSCULAR DYSTROPHY. Identifiers: Orphanet 257, MedGen C2931072, MONDO:0009181, OMIM 226670.
Epidermolysis bullosa simplex, Ogna type (EBS5A). Also called: Pidermolysis bullosa simplex 5A, Ogna type; EPIDERMOLYSIS BULLOSA SIMPLEX 5A, OGNA TYPE. Identifiers: Orphanet 79401, MedGen C0432317, MONDO:0007555, OMIM 131950.
Autosomal recessive limb-girdle muscular dystrophy type 2Q (LGMDR17). Also called: MUSCULAR DYSTROPHY, LIMB-GIRDLE, AUTOSOMAL RECESSIVE 17. Identifiers: Orphanet 254361, MedGen C3150989, MONDO:0013390, OMIM 613723.

Allele frequency attached by ClinVar (database versions not stated): gnomAD exomes below 0.00001; TOPMed below 0.00001.
gnomAD v4.1: 7 of 1,613,152 alleles (0.00043%); highest among the groups gnomAD compares: Non-Finnish European, 0.00042%; no homozygotes.

Submission:

Labcorp Genetics (formerly Invitae), Labcorp
Classification: Uncertain significance for Autosomal recessive limb-girdle muscular dystrophy type 2Q; Epidermolysis bullosa simplex, Ogna type; Epidermolysis bullosa simplex with nail dystrophy; Epidermolysis bullosa simplex 5C, with pyloric atresia; Epidermolysis bullosa simplex 5B, with muscular dystrophy. Last evaluated: 2022-06-27. Review status: criteria provided, single submitter. Criteria: Invitae Variant Classification Sherloc (09022015). Collection method: clinical testing. Allele origin: germline.
Comment: This variant is present in population databases (rs782546260, gnomAD 0.0009%). This sequence change replaces proline, which is neutral and non-polar, with serine, which is neutral and polar, at codon 2807 of the PLEC protein (p.Pro2807Ser). Algorithms developed to predict the effect of missense changes on protein structure and function (SIFT, PolyPhen-2, Align-GVGD) all suggest that this variant is likely to be disruptive. In summary, the available evidence is currently insufficient to determine the role of this variant in disease. Therefore, it has been classified as a Variant of Uncertain Significance. This variant has not been reported in the literature in individuals affected with PLEC-related conditions. ClinVar contains an entry for this variant (Variation ID: 1057114).